The following is an entry in ClinVar:

ClinVar aggregate classification (germline): Pathogenic. Review status: criteria provided, multiple submitters, no conflicts (2 of 4 stars). 2 submissions from 2 submitters: Pathogenic (2). Last evaluated 2025-05-07.

Conditions:
Myofibrillar myopathy 5. Also called: Filaminopathy (type); FILAMINOPATHY, AUTOSOMAL DOMINANT. Identifiers: Orphanet 171445, MedGen C1836050, MONDO:0012289, OMIM 609524.
Distal myopathy with posterior leg and anterior hand involvement. Also called: WILLIAMS DISTAL MYOPATHY. Identifiers: Orphanet 63273, MedGen C3279722, MONDO:0013550, OMIM 614065.
Hypertrophic cardiomyopathy 26. Also called: Cardiomyopathy, familial hypertrophic, 26. Identifiers: Orphanet 75249, MedGen C4310749, MONDO:0014883, OMIM 617047.

Submissions (2):

Labcorp Genetics (formerly Invitae), Labcorp
Classification: Pathogenic for Distal myopathy with posterior leg and anterior hand involvement; Myofibrillar myopathy 5; Hypertrophic cardiomyopathy 26. Last evaluated: 2025-05-07. Review status: criteria provided, single submitter. Criteria: Invitae Variant Classification Sherloc (09022015). Collection method: clinical testing. Allele origin: germline.
Comment: This sequence change creates a premature translational stop signal (p.Arg695Leufs*8) in the FLNC gene. It is expected to result in an absent or disrupted protein product. Loss-of-function variants in FLNC are known to be pathogenic (PMID: 27908349). This variant is not present in population databases (gnomAD no frequency). This variant has not been reported in the literature in individuals affected with FLNC-related conditions. ClinVar contains an entry for this variant (Variation ID: 964413). For these reasons, this variant has been classified as Pathogenic.

GeneDx
Classification: Pathogenic. Last evaluated: 2023-05-30. Review status: criteria provided, single submitter. Criteria: GeneDx Variant Classification Process June 2021. Collection method: clinical testing. Allele origin: germline. Affected: yes.
Comment: Has not been previously published as pathogenic or benign to our knowledge; Not observed at significant frequency in large population cohorts (gnomAD); Frameshift variant predicted to result in protein truncation or nonsense mediated decay in a gene for which loss of function is a known mechanism of disease

Literature cited by the submitters: PubMed 27908349 (cited by Labcorp Genetics (formerly Invitae), Labcorp).

NM_001458.5(FLNC):c.2084del (p.Arg695fs)

Gene: FLNC (filamin C; plus strand). Cytogenetic location: 7q32.1.
Variant type: Deletion.
Coding change: c.2084del on transcript NM_001458.5 (MANE Select); coding-DNA position 2084, one base deleted (G; older notation c.2084delG).
Protein change: p.Arg695fs; shifts the reading frame from arginine 695.
Molecular consequence: frameshift variant.
Genome position (GRCh38, 1-based): chr7:128,841,530, G deleted. VCF-style (leftmost placement, unchanged base first): chr7-128841529-CG-C. GRCh37 (hg19) VCF-style: chr7-128481583-CG-C.
Other names: c.2084del, p.Arg695fs (NM_001127487.2); short protein forms R695fs.
Identifiers: ClinVar variation 964413 (VCV000964413.11), dbSNP rs1808334682, ClinGen allele CA1139660237.